The following is an entry in ClinVar:

NM_003718.5(CDK13):c.2148C>G (p.Tyr716Ter)

Gene: CDK13 (cyclin dependent kinase 13; plus strand). Cytogenetic location: 7p14.1.
Variant type: single nucleotide variant.
Coding change: c.2148C>G on transcript NM_003718.5 (MANE Select); coding-DNA position 2148, C replaced by G.
Protein change: p.Tyr716Ter; replaces tyrosine 716 with a stop codon.
Molecular consequence: nonsense.
Genome position (GRCh38, 1-based): chr7:39,999,466, C>G. VCF-style: chr7-39999466-C-G. GRCh37 (hg19) VCF-style: chr7-40039065-C-G.
Other names: c.2148C>G, p.Tyr716Ter (NM_031267.4); short protein forms Y716*.
Identifiers: ClinVar variation 3368867 (VCV003368867.1).

ClinVar aggregate classification (germline): Uncertain significance (1 of 4 stars; one submission).

Submission:

GeneDx
Classification: Uncertain significance. Last evaluated: 2024-02-08. Review status: criteria provided, single submitter. Criteria: GeneDx Variant Classification Process June 2021. Collection method: clinical testing. Allele origin: germline. Affected: yes.
Comment: Not observed at significant frequency in large population cohorts (gnomAD); Nonsense variant predicted to result in protein truncation or nonsense mediated decay in a gene or region of a gene for which loss of function is not a well-established mechanism of disease; Has not been previously published as pathogenic or benign to our knowledge